The following is an entry in ClinVar:

NM_004086.3(COCH):c.*245G>A

Gene: COCH (cochlin; plus strand). Cytogenetic location: 14q12.
Variant type: single nucleotide variant.
Coding change: c.*245G>A on transcript NM_004086.3 (MANE Select); 245 bases downstream of the stop codon, G replaced by A.
Molecular consequence: 3 prime UTR variant.
Genome position (GRCh38, 1-based): chr14:30,890,036, G>A. VCF-style: chr14-30890036-G-A. GRCh37 (hg19) VCF-style: chr14-31359242-G-A.
Other names: c.*245G>A (NM_001135058.2, NM_001347720.2).
Identifiers: ClinVar variation 882788 (VCV000882788.4), dbSNP rs45624239, ClinGen allele CA258544346.
Genomic context (GRCh38, chr14:30,890,036, plus strand): 5'-ACTTTGTTAAAAACACTGCTGAGGCTTCATAATCATGGCTCTTAGAAACTCAGGAAAGAG[G>A]AGATAATGTGGATTAAAACCTTAAGAGTTCTAACCATGCCTACTAAATGTACAGATATGC-3'

ClinVar aggregate classification (germline): Likely benign (1 of 4 stars; one submission).

Conditions:
Autosomal dominant nonsyndromic hearing loss 9. Identifiers: Orphanet 90635, MedGen C1832425, MONDO:0011058, OMIM 601369.

Allele frequency attached by ClinVar (database versions not stated): 1000 Genomes Project 0.00100; gnomAD 0.00121 and 0.00127; 1000 Genomes Project 30x 0.00141; TOPMed 0.00152; gnomAD exomes 0.00201.

Submission:

Illumina Laboratory Services, Illumina
Classification: Likely benign for Autosomal dominant nonsyndromic hearing loss 9. Last evaluated: 2018-01-13. Review status: criteria provided, single submitter. Criteria: ICSL Variant Classification Criteria 13 December 2019. Collection method: clinical testing. Allele origin: germline.
Comment: This variant was observed in the ICSL laboratory as part of a predisposition screen in an ostensibly healthy population. It had not been previously curated by ICSL or reported in the Human Gene Mutation Database (HGMD: prior to June 1st, 2018), and was therefore a candidate for classification through an automated scoring system. Utilizing variant allele frequency, disease prevalence and penetrance estimates, and inheritance mode, an automated score was calculated to assess if this variant is too frequent to cause the disease. Based on the score and internal cut-off values, a variant classified as likely benign is not then subjected to further curation. The score for this variant resulted in a classification of likely benign for this disease.